The following is an entry in ClinVar:

NM_170675.5(MEIS2):c.438+5G>T

Gene: MEIS2 (Meis homeobox 2; minus strand). Cytogenetic location: 15q14.
Variant type: single nucleotide variant.
Coding change: c.438+5G>T on transcript NM_170675.5 (MANE Select); 5 bases into the intron after coding-DNA position 438, G replaced by T.
Molecular consequence: intron variant.
Genome position (GRCh38, 1-based): chr15:37,095,559, C>A on the plus strand (G>T on the coding strand, the complement: MEIS2 is on the minus strand). VCF-style: chr15-37095559-C-A. GRCh37 (hg19) VCF-style: chr15-37387760-C-A.
Other names: c.399+5G>T (NM_002399.4, NM_172315.3); c.438+5G>T (NM_001220482.2, NM_170676.5, NM_170674.5 and 1 more transcripts); c.174+5G>T (NM_172316.3).
Identifiers: ClinVar variation 1328566 (VCV001328566.2), dbSNP rs766948443, ClinGen allele CA2573053988.

ClinVar aggregate classification (germline): Uncertain significance (1 of 4 stars; one submission).

gnomAD v4.1: 1 of 1,614,170 alleles (0.000062%); highest among the groups gnomAD compares: Non-Finnish European, 0.000085%; no homozygotes.

Submission:

GeneDx
Classification: Uncertain significance. Last evaluated: 2021-06-20. Review status: criteria provided, single submitter. Criteria: GeneDx Variant Classification Process June 2021. Collection method: clinical testing. Allele origin: germline. Affected: yes.
Comment: Not observed at significant frequency in large population cohorts (Lek et al., 2016); Intronic +5 splice site variant in a gene for which loss-of-function is a known mechanism of disease, and both splice predictors and evolutionary conservation support a deleterious effect, although in the absence of functional evidence the actual effect of this sequence change is unknown.; Has not been previously published as pathogenic or benign to our knowledge; This variant is associated with the following publications: (PMID: 27535533)